The following is an entry in ClinVar:

ClinVar aggregate classification (germline): Uncertain significance (1 of 4 stars; one submission).

Conditions:
MAGEL2-related disorder. Also called: MAGEL2-related condition.

gnomAD v4.1: 5 of 1,536,744 alleles (0.00033%); highest among the groups gnomAD compares: African/African-American, 0.0014%; no homozygotes.

Submission:

PreventionGenetics, part of Exact Sciences
Classification: Uncertain significance for MAGEL2-related condition. Last evaluated: 2025-01-09. Review status: criteria provided, single submitter. Criteria: ACMG Guidelines, 2015. Collection method: clinical testing. Allele origin: germline.
Comment: The MAGEL2 c.774G>A variant is not predicted to result in an amino acid change (p.=). This variant is not predicted to alter splicing based on available splicing prediction programs (SpliceAI, Jaganathan et al. 2019. PubMed ID: 30661751). However, the use of computer prediction programs is not equivalent to functional evidence. To our knowledge, this variant has not been reported in the literature. This variant is reported in 0.0035% of alleles in individuals of European (Non-Finnish) descent in gnomAD. At this time, the clinical significance of this variant is uncertain due to the absence of conclusive functional and genetic evidence.

NM_019066.5(MAGEL2):c.774G>A (p.Pro258=)

Gene: MAGEL2 (MAGE family member L2; minus strand). Cytogenetic location: 15q11.2.
Variant type: single nucleotide variant.
Coding change: c.774G>A on transcript NM_019066.5 (MANE Select); coding-DNA position 774, G replaced by A.
Protein change: p.Pro258=; no amino-acid change (proline 258 retained).
Molecular consequence: synonymous variant.
Genome position (GRCh38, 1-based): chr15:23,646,969, C>T on the plus strand (G>A on the coding strand, the complement: MAGEL2 is on the minus strand). VCF-style: chr15-23646969-C-T. GRCh37 (hg19) VCF-style: chr15-23892116-C-T.
Identifiers: ClinVar variation 4979741 (VCV004979741.1).
Genomic context (GRCh38, chr15:23,646,969, plus strand): 5'-CATCGGTGCTCCTGAAGGCTGAGGCTGGGTCATCATGGCTGCTGGAGGCGGCTGGACCAT[C>T]GGTGCTCCCGGAGCAGCAGGCTGGACCATCAGGACTCCCGGAGTCAGAGGCTGGGCCATC-3'
Protein context (NP_061939.3, residues 248-268): LMVQPAAPGA[Pro258=]MVQPPPAAMM